The following is an entry in ClinVar:

NM_001127671.2(LIFR):c.553G>A (p.Val185Ile)

Gene: LIFR (LIF receptor subunit alpha; minus strand). Cytogenetic location: 5p13.1.
Variant type: single nucleotide variant.
Coding change: c.553G>A on transcript NM_001127671.2 (MANE Select); coding-DNA position 553, G replaced by A.
Protein change: p.Val185Ile; replaces valine 185 with isoleucine.
Molecular consequence: missense variant.
Genome position (GRCh38, 1-based): chr5:38,523,427, C>T on the plus strand (G>A on the coding strand, the complement: LIFR is on the minus strand). VCF-style: chr5-38523427-C-T. GRCh37 (hg19) VCF-style: chr5-38523529-C-T.
Other names: c.553G>A, p.Val185Ile (NM_001364297.2, NM_001364298.2, NM_002310.6); short protein forms V185I.
Identifiers: ClinVar variation 765571 (VCV000765571.21), dbSNP rs140538535, ClinGen allele CA3243181.

ClinVar aggregate classification (germline): Conflicting classifications of pathogenicity. Review status: criteria provided, conflicting classifications (1 of 4 stars). 4 submissions from 4 submitters: Uncertain significance (2); Likely benign (1). 1 of the submissions does not count toward it. Last evaluated 2026-01-20.

Conditions:
LIFR-related disorder. Also called: LIFR-related condition.
Stuve-Wiedemann syndrome (STWS). Also called: Stüve-Wiedemann syndrome. Identifiers: Orphanet 3206, MedGen C0796176, MONDO:0031280.

Allele frequency attached by ClinVar (database versions not stated): gnomAD exomes 0.00009 and 0.00032; ExAC 0.00035; ESP Exome Variant Server 0.00085; gnomAD 0.00096 and 0.00097; TOPMed 0.00098; 1000 Genomes Project 0.00220; 1000 Genomes Project 30x 0.00265.
gnomAD v4.1: 294 of 1,607,850 alleles (0.018%); highest among the groups gnomAD compares: African/African-American, 0.26%; 1 homozygote.

Submissions (4):

Labcorp Genetics (formerly Invitae), Labcorp
Classification: Likely benign. Last evaluated: 2026-01-20. Review status: criteria provided, single submitter. Criteria: Invitae Variant Classification Sherloc (09022015). Collection method: clinical testing. Allele origin: germline.

GeneDx
Classification: Uncertain significance. Last evaluated: 2024-04-18. Review status: criteria provided, single submitter. Criteria: GeneDx Variant Classification Process June 2021. Collection method: clinical testing. Allele origin: germline. Affected: yes.
Comment: In silico analysis supports that this missense variant does not alter protein structure/function; Has not been previously published as pathogenic or benign to our knowledge

ARUP Laboratories, Molecular Genetics and Genomics, ARUP Laboratories
Classification: Uncertain significance for Stüve-Wiedemann syndrome 1. Last evaluated: 2019-09-25. Review status: criteria provided, single submitter. Criteria: ARUP Molecular Germline Variant Investigation Process. Collection method: clinical testing. Allele origin: germline.
Comment: The LIFR c.553G>A; p.Val185Ile variant (rs140538535), to our knowledge, is not reported in the medical literature or gene-specific databases. This variant is found in the African population with an overall allele frequency of 0.35% (85/24630 alleles) in the Genome Aggregation Database. The valine at codon 185 is highly conserved, but computational analyses (SIFT, PolyPhen-2) predict that this variant is tolerated. Due to limited information, the clinical significance of the p.Val185Ile variant is uncertain at this time.

PreventionGenetics, part of Exact Sciences
Classification: Likely benign for LIFR-related condition. Last evaluated: 2022-08-01. Review status: no assertion criteria provided. Collection method: clinical testing. Allele origin: germline. Not counted in ClinVar's aggregate classification.
Comment: This variant is classified as likely benign based on ACMG/AMP sequence variant interpretation guidelines (Richards et al. 2015 PMID: 25741868, with internal and published modifications).